The following is an entry in ClinVar:

NM_018026.4(PACS1):c.1349A>G (p.Asp450Gly)

Gene: PACS1 (phosphofurin acidic cluster sorting protein 1; plus strand). Cytogenetic location: 11q13.2.
Variant type: single nucleotide variant.
Coding change: c.1349A>G on transcript NM_018026.4 (MANE Select); coding-DNA position 1349, A replaced by G.
Protein change: p.Asp450Gly; replaces aspartic acid 450 with glycine.
Molecular consequence: missense variant.
Genome position (GRCh38, 1-based): chr11:66,227,559, A>G. VCF-style: chr11-66227559-A-G. GRCh37 (hg19) VCF-style: chr11-65995030-A-G.
Other names: short protein forms D450G.
Identifiers: ClinVar variation 1312486 (VCV001312486.5), dbSNP rs1239297294, ClinGen allele CA381364306.

ClinVar aggregate classification (germline): Uncertain significance. Review status: criteria provided, multiple submitters, no conflicts (2 of 4 stars). 2 submissions from 2 submitters: Uncertain significance (2). Last evaluated 2025-10-29.

Conditions:
Schuurs-Hoeijmakers syndrome. Also called: PACS1-Related Neurodevelopmental Disorder. Identifiers: Orphanet 329224, MedGen C3554343, MONDO:0014006, OMIM 615009.

Allele frequency attached by ClinVar (database versions not stated): gnomAD 0.00001; gnomAD exomes below 0.00001 and 0.00002.
gnomAD v4.1: 34 of 1,611,090 alleles (0.0021%); highest among the groups gnomAD compares: Non-Finnish European, 0.0028%; no homozygotes.

Submissions (2):

Labcorp Genetics (formerly Invitae), Labcorp
Classification: Uncertain significance for Schuurs-Hoeijmakers syndrome. Last evaluated: 2025-10-29. Review status: criteria provided, single submitter. Criteria: Invitae Variant Classification Sherloc (09022015). Collection method: clinical testing. Allele origin: germline.
Comment: This sequence change replaces aspartic acid, which is acidic and polar, with glycine, which is neutral and non-polar, at codon 450 of the PACS1 protein (p.Asp450Gly). This variant is present in population databases (no rsID available, gnomAD 0.0009%). This variant has not been reported in the literature in individuals affected with PACS1-related conditions. ClinVar contains an entry for this variant (Variation ID: 1312486). Invitae Evidence Modeling of protein sequence and biophysical properties (such as structural, functional, and spatial information, amino acid conservation, physicochemical variation, residue mobility, and thermodynamic stability) indicates that this missense variant is not expected to disrupt PACS1 protein function with a negative predictive value of 80%. In summary, the available evidence is currently insufficient to determine the role of this variant in disease. Therefore, it has been classified as a Variant of Uncertain Significance.

GeneDx
Classification: Uncertain significance. Last evaluated: 2019-09-26. Review status: criteria provided, single submitter. Criteria: GeneDx Variant Classification Process June 2021. Collection method: clinical testing. Allele origin: germline. Affected: yes.
Comment: In silico analysis, which includes protein predictors and evolutionary conservation, supports a deleterious effect; Has not been previously published as pathogenic or benign to our knowledge